The following is an entry in ClinVar:

NM_001080414.4(CCDC88C):c.5347C>T (p.Arg1783Trp)

Gene: CCDC88C (coiled-coil and HOOK domain protein 88C; minus strand). Cytogenetic location: 14q32.11.
Variant type: single nucleotide variant.
Coding change: c.5347C>T on transcript NM_001080414.4 (MANE Select); coding-DNA position 5347, C replaced by T.
Protein change: p.Arg1783Trp; replaces arginine 1783 with tryptophan.
Molecular consequence: missense variant. On other transcripts: non-coding transcript variant (2).
Genome position (GRCh38, 1-based): chr14:91,273,365, G>A on the plus strand (C>T on the coding strand, the complement: CCDC88C is on the minus strand). VCF-style: chr14-91273365-G-A. GRCh37 (hg19) VCF-style: chr14-91739709-G-A.
Other names: short protein forms R1783W.
Identifiers: ClinVar variation 4717192 (VCV004717192.1).

ClinVar aggregate classification (germline): Uncertain significance (1 of 4 stars; one submission).

gnomAD v4.1: 29 of 1,534,702 alleles (0.0019%); highest among the groups gnomAD compares: Non-Finnish European, 0.0023%; no homozygotes.

Submission:

Labcorp Genetics (formerly Invitae), Labcorp
Classification: Uncertain significance. Last evaluated: 2025-03-05. Review status: criteria provided, single submitter. Criteria: Invitae Variant Classification Sherloc (09022015). Collection method: clinical testing. Allele origin: germline.
Comment: This sequence change replaces arginine, which is basic and polar, with tryptophan, which is neutral and slightly polar, at codon 1783 of the CCDC88C protein (p.Arg1783Trp). The frequency data for this variant in the population databases is considered unreliable, as metrics indicate poor data quality at this position in the gnomAD database. This variant has not been reported in the literature in individuals affected with CCDC88C-related conditions. An algorithm developed to predict the effect of missense changes on protein structure and function (PolyPhen-2) suggests that this variant is likely to be disruptive. In summary, the available evidence is currently insufficient to determine the role of this variant in disease. Therefore, it has been classified as a Variant of Uncertain Significance.